The following is an entry in ClinVar:

NM_003283.6(TNNT1):c.715G>A (p.Asp239Asn)

Gene: TNNT1 (troponin T1, slow skeletal type; minus strand). Cytogenetic location: 19q13.42.
Variant type: single nucleotide variant.
Coding change: c.715G>A on transcript NM_003283.6 (MANE Select); coding-DNA position 715, G replaced by A.
Protein change: p.Asp239Asn; replaces aspartic acid 239 with asparagine.
Molecular consequence: missense variant.
Genome position (GRCh38, 1-based): chr19:55,134,101, C>T on the plus strand (G>A on the coding strand, the complement: TNNT1 is on the minus strand). VCF-style: chr19-55134101-C-T. GRCh37 (hg19) VCF-style: chr19-55645469-C-T.
Other names: c.667G>A, p.Asp223Asn (NM_001126132.3); c.634G>A, p.Asp212Asn (NM_001126133.3, NM_001291774.2); c.715G>A (NM_003283.4); short protein forms D239N, D223N, D212N.
Identifiers: ClinVar variation 1969989 (VCV001969989.6), dbSNP rs772697927, ClinGen allele CA407431656.

ClinVar aggregate classification (germline): Uncertain significance. Review status: criteria provided, multiple submitters, no conflicts (2 of 4 stars). 2 submissions from 2 submitters: Uncertain significance (2). Last evaluated 2025-06-20.

Conditions:
Inborn genetic diseases. Identifiers: MedGen C0950123, MeSH D030342.
Nemaline myopathy 5 (NEM5A). Also called: NEMALINE MYOPATHY 5A, AUTOSOMAL RECESSIVE, SEVERE INFANTILE; NEMALINE MYOPATHY, AMISH TYPE; Nemaline myopathy 5, Amish type. Identifiers: Orphanet 98902, MedGen C1854380, MONDO:0011539, OMIM 605355.

gnomAD v4.1: 3 of 1,612,758 alleles (0.00019%); highest among the groups gnomAD compares: South Asian, 0.0022%; no homozygotes.

Submissions (2):

Labcorp Genetics (formerly Invitae), Labcorp
Classification: Uncertain significance for Nemaline myopathy 5. Last evaluated: 2025-06-20. Review status: criteria provided, single submitter. Criteria: Invitae Variant Classification Sherloc (09022015). Collection method: clinical testing. Allele origin: germline.
Comment: This sequence change replaces aspartic acid, which is acidic and polar, with asparagine, which is neutral and polar, at codon 239 of the TNNT1 protein (p.Asp239Asn). The frequency data for this variant in the population databases is considered unreliable, as metrics indicate poor data quality at this position in the gnomAD database. This variant has not been reported in the literature in individuals affected with TNNT1-related conditions. ClinVar contains an entry for this variant (Variation ID: 1969989). Invitae Evidence Modeling of protein sequence and biophysical properties (such as structural, functional, and spatial information, amino acid conservation, physicochemical variation, residue mobility, and thermodynamic stability) indicates that this missense variant is expected to disrupt TNNT1 protein function with a positive predictive value of 80%. In summary, the available evidence is currently insufficient to determine the role of this variant in disease. Therefore, it has been classified as a Variant of Uncertain Significance.

Ambry Genetics
Classification: Uncertain significance for Inborn genetic diseases. Last evaluated: 2025-03-19. Review status: criteria provided, single submitter. Criteria: Ambry Variant Classification Scheme 2023. Collection method: clinical testing. Allele origin: germline.